The following is an entry in ClinVar:

ClinVar aggregate classification (germline): Likely benign. Review status: criteria provided, multiple submitters, no conflicts (2 of 4 stars). 2 submissions from 2 submitters: Likely benign (2). Last evaluated 2025-04-16.

Conditions:
Erythrocytosis, familial, 3 (ECYT3). Identifiers: Orphanet 247511, MedGen C1853286, MONDO:0012353, OMIM 609820.

Allele frequency attached by ClinVar (database versions not stated): ExAC 0.00001; gnomAD exomes 0.00001.
gnomAD v4.1: 9 of 1,613,928 alleles (0.00056%); highest among the groups gnomAD compares: Non-Finnish European, 0.00068%; no homozygotes.

Submissions (2):

Mayo Clinic Laboratories, Mayo Clinic
Classification: Likely benign. Last evaluated: 2025-04-16. Review status: criteria provided, single submitter. Criteria: ACMG Guidelines, 2015. Collection method: clinical testing. Allele origin: germline. Observed: 1 variant allele.
Comment: BP4, BP7, PM2_supporting

Labcorp Genetics (formerly Invitae), Labcorp
Classification: Likely benign for Erythrocytosis, familial, 3. Last evaluated: 2025-01-28. Review status: criteria provided, single submitter. Criteria: Invitae Variant Classification Sherloc (09022015). Collection method: clinical testing. Allele origin: germline.

NM_022051.3(EGLN1):c.1012-5C>G

Gene: EGLN1 (egl-9 family hypoxia inducible factor 1; minus strand). Cytogenetic location: 1q42.2.
Variant type: single nucleotide variant.
Coding change: c.1012-5C>G on transcript NM_022051.3 (MANE Select); 5 bases into the intron before coding-DNA position 1012, C replaced by G.
Molecular consequence: intron variant.
Genome position (GRCh38, 1-based): chr1:231,370,703, G>C on the plus strand (C>G on the coding strand, the complement: EGLN1 is on the minus strand). VCF-style: chr1-231370703-G-C. GRCh37 (hg19) VCF-style: chr1-231506449-G-C.
Other names: p.?; c.1012-5C>G (NM_022051.2, NM_001377260.1); c.1012-3067C>G (NM_001377261.1).
Identifiers: ClinVar variation 2160692 (VCV002160692.5), dbSNP rs747452281, ClinGen allele CA1453027.